The following is an entry in ClinVar:

NM_015559.3(SETBP1):c.1057G>C (p.Asp353His)

Gene: SETBP1 (SET binding protein 1; plus strand). Cytogenetic location: 18q12.3.
Variant type: single nucleotide variant.
Coding change: c.1057G>C on transcript NM_015559.3 (MANE Select); coding-DNA position 1057, G replaced by C.
Protein change: p.Asp353His; replaces aspartic acid 353 with histidine.
Molecular consequence: missense variant.
Genome position (GRCh38, 1-based): chr18:44,950,397, G>C. VCF-style: chr18-44950397-G-C. GRCh37 (hg19) VCF-style: chr18-42530362-G-C.
Other names: c.1057G>C, p.Asp353His (NM_001379141.1, NM_001379142.1, NM_001410862.1); short protein forms D353H.
Identifiers: ClinVar variation 2829175 (VCV002829175.3), dbSNP rs753850680, ClinGen allele CA402317603.
Genomic context (GRCh38, chr18:44,950,397, plus strand): 5'-AGCAAGAAAAAGTCCAGTAAAAAAGATGTGATAAGTCAGACCATACCAAACCCAGACCTG[G>C]ATTGGGTCAAGAATGCCCAGAAAGCATTTGACAATACAGAAGGGAAAAGGGAAGGTTATT-3'
Protein context (NP_056374.2, residues 343-363): ISQTIPNPDL[Asp353His]WVKNAQKAFD

ClinVar aggregate classification (germline): Uncertain significance (1 of 4 stars; one submission).

gnomAD v4.1: 1 of 1,614,018 alleles (0.000062%); highest among the groups gnomAD compares: African/African-American, 0.0013%; no homozygotes.

Submission:

Labcorp Genetics (formerly Invitae), Labcorp
Classification: Uncertain significance. Last evaluated: 2024-01-08. Review status: criteria provided, single submitter. Criteria: Invitae Variant Classification Sherloc (09022015). Collection method: clinical testing. Allele origin: germline.
Comment: This sequence change replaces aspartic acid, which is acidic and polar, with histidine, which is basic and polar, at codon 353 of the SETBP1 protein (p.Asp353His). This variant is not present in population databases (gnomAD no frequency). This variant has not been reported in the literature in individuals affected with SETBP1-related conditions. Advanced modeling of protein sequence and biophysical properties (such as structural, functional, and spatial information, amino acid conservation, physicochemical variation, residue mobility, and thermodynamic stability) performed at Invitae indicates that this missense variant is not expected to disrupt SETBP1 protein function with a negative predictive value of 80%. In summary, the available evidence is currently insufficient to determine the role of this variant in disease. Therefore, it has been classified as a Variant of Uncertain Significance.